The following is an entry in ClinVar:

NM_001278512.2(AP3B2):c.2060A>C (p.Glu687Ala)

Genes: AP3B2 (adaptor related protein complex 3 subunit beta 2; minus strand), CPEB1-AS1 (CPEB1 antisense RNA 1; plus strand). Cytogenetic location: 15q25.2.
Variant type: single nucleotide variant.
Coding change: c.2060A>C on transcript NM_001278512.2 (MANE Select); coding-DNA position 2060, A replaced by C.
Protein change: p.Glu687Ala; replaces glutamic acid 687 with alanine.
Molecular consequence: missense variant.
Genome position (GRCh38, 1-based): chr15:82,664,912, T>G on the plus strand (A>C on the coding strand, the complement: AP3B2 is on the minus strand). VCF-style: chr15-82664912-T-G. GRCh37 (hg19) VCF-style: chr15-83333664-T-G.
Other names: c.1907A>C, p.Glu636Ala (NM_001278511.2); c.2003A>C, p.Glu668Ala (NM_004644.5); short protein forms E668A, E687A, E636A.
Identifiers: ClinVar variation 2120707 (VCV002120707.4), dbSNP rs2548698011, ClinGen allele CA393312355.

ClinVar aggregate classification (germline): Uncertain significance (1 of 4 stars; one submission).

Submission:

Labcorp Genetics (formerly Invitae), Labcorp
Classification: Uncertain significance. Last evaluated: 2022-09-01. Review status: criteria provided, single submitter. Criteria: Invitae Variant Classification Sherloc (09022015). Collection method: clinical testing. Allele origin: germline.
Comment: Algorithms developed to predict the effect of missense changes on protein structure and function (SIFT, PolyPhen-2, Align-GVGD) all suggest that this variant is likely to be tolerated. In summary, the available evidence is currently insufficient to determine the role of this variant in disease. Therefore, it has been classified as a Variant of Uncertain Significance. This sequence change replaces glutamic acid, which is acidic and polar, with alanine, which is neutral and non-polar, at codon 668 of the AP3B2 protein (p.Glu668Ala). This variant is not present in population databases (gnomAD no frequency). This variant has not been reported in the literature in individuals affected with AP3B2-related conditions.